The following is an entry in ClinVar:

ClinVar aggregate classification (germline): Uncertain significance (1 of 4 stars; one submission).

Conditions:
Hereditary cancer-predisposing syndrome. Also called: Hereditary Cancer Syndrome; Tumor predisposition; Hereditary neoplastic syndrome; Neoplastic Syndromes, Hereditary. Identifiers: Orphanet 140162, MedGen C0027672, MeSH D009386, MONDO:0015356.

Submission:

Ambry Genetics
Classification: Uncertain significance for Hereditary cancer-predisposing syndrome. Last evaluated: 2024-09-21. Review status: criteria provided, single submitter. Criteria: Ambry Variant Classification Scheme 2023. Collection method: clinical testing. Allele origin: germline.
Comment: The p.Q1276H variant (also known as c.3828A>C), located in coding exon 18 of the MET gene, results from an A to C substitution at nucleotide position 3828. The glutamine at codon 1276 is replaced by histidine, an amino acid with highly similar properties. This amino acid position is conserved. In addition, the in silico prediction for this alteration is inconclusive. Based on the available evidence, the clinical significance of this variant remains unclear.

NM_000245.4(MET):c.3774A>C (p.Gln1258His)

Gene: MET (MET proto-oncogene, receptor tyrosine kinase; plus strand). Cytogenetic location: 7q31.2.
Variant type: single nucleotide variant.
Coding change: c.3774A>C on transcript NM_000245.4 (MANE Select); coding-DNA position 3774, A replaced by C.
Protein change: p.Gln1258His; replaces glutamine 1258 with histidine.
Molecular consequence: missense variant.
Genome position (GRCh38, 1-based): chr7:116,783,445, A>C. VCF-style: chr7-116783445-A-C. GRCh37 (hg19) VCF-style: chr7-116423499-A-C.
Other names: c.3828A>C, p.Gln1276His (NM_001127500.3); c.2484A>C, p.Gln828His (NM_001324402.2); short protein forms Q1276H, Q1258H, Q828H.
Identifiers: ClinVar variation 3395156 (VCV003395156.1).